The following is an entry in ClinVar:

NM_001754.5(RUNX1):c.954C>T (p.Ser318=)

Gene: RUNX1 (RUNX family transcription factor 1; minus strand). Cytogenetic location: 21q22.12.
Variant type: single nucleotide variant.
Coding change: c.954C>T on transcript NM_001754.5 (MANE Select); coding-DNA position 954, C replaced by T.
Protein change: p.Ser318=; no amino-acid change (serine 318 retained).
Molecular consequence: synonymous variant.
Genome position (GRCh38, 1-based): chr21:34,799,314, G>A on the plus strand (C>T on the coding strand, the complement: RUNX1 is on the minus strand). VCF-style: chr21-34799314-G-A. GRCh37 (hg19) VCF-style: chr21-36171611-G-A.
Other names: NM_001754.5(RUNX1):c.954C>T; p.Ser318=; c.873C>T, p.Ser291= (NM_001001890.3).
Identifiers: ClinVar variation 1915570 (VCV001915570.7), dbSNP rs2145907227, ClinGen allele CA512232179.

ClinVar aggregate classification (germline): Likely benign. Review status: reviewed by expert panel (3 of 4 stars). 3 submissions from 3 submitters: Likely benign (1). 2 of the submissions do not count toward it. Last evaluated 2024-06-24.

Conditions:
Inborn genetic diseases. Identifiers: MedGen C0950123, MeSH D030342.
Hereditary thrombocytopenia and hematologic cancer predisposition syndrome. Identifiers: Orphanet 71290, MedGen CN281654, MONDO:0011071.
Hereditary thrombocytopenia and hematological cancer predisposition syndrome associated with RUNX1. Also called: Familial Platelet Disorder with Propensity to Acute Myelogenous Leukemia; Familial thrombocytopenia with propensity to acute myelogenous leukemia; PLATELET DISORDER, ASPIRIN-LIKE; RUNX1 Familial Platelet Disorder with Associated Myeloid Malignancies. Identifiers: Orphanet 71290, MedGen C1832388, MeSH C563324, MONDO:0100083, OMIM 601399.

Allele frequency attached by ClinVar (database versions not stated): gnomAD exomes below 0.00001.
gnomAD v4.1: 1 of 1,614,186 alleles (0.000062%); highest among the groups gnomAD compares: Non-Finnish European, 0.000085%; no homozygotes.

Submissions (3):

ClinGen Myeloid Malignancy Variant Curation Expert Panel
Classification: Likely benign for Hereditary thrombocytopenia and hematologic cancer predisposition syndrome. Last evaluated: 2024-06-24. Review status: reviewed by expert panel. Criteria: ClinGen MyeloMalig ACMG Specifications v2. Collection method: curation. Allele origin: germline. Inheritance: Autosomal dominant inheritance.
Comment: NM_001754.5(RUNX1):c.954C>T (p.Ser318=) is a synonymous variant. This variant has a SpliceAI score ≤ 0.20 (0.04) (BP4). This variant has a SpliceAI score ≤ 0.20 (0.04) and evolutionary conservation prediction algorithms predict the site as not being conserved (PhyloP score ≤ 2.0 (1.938)) (BP7). And this variant is completely absent from all population databases with at least 20x coverage for RUNX1 (PM2_Supporting). In summary, this variant meets criteria to be classified as likely benign. ACMG/AMP criteria applied, as specified by the Myeloid Malignancy Variant Curation Expert Panel for RUNX1: PM2_supporting, BP4, BP7.

Ambry Genetics
Classification: Likely benign for Inborn genetic diseases. Last evaluated: 2026-06-21. Review status: criteria provided, single submitter. Criteria: Ambry Variant Classification Scheme 2023. Collection method: clinical testing. Allele origin: germline. Not counted in ClinVar's aggregate classification.

Labcorp Genetics (formerly Invitae), Labcorp
Classification: Likely benign for Hereditary thrombocytopenia and hematological cancer predisposition syndrome associated with RUNX1. Last evaluated: 2022-10-12. Review status: criteria provided, single submitter. Criteria: Invitae Variant Classification Sherloc (09022015). Collection method: clinical testing. Allele origin: germline. Not counted in ClinVar's aggregate classification.